The following is an entry in ClinVar:

ClinVar aggregate classification (germline): Uncertain significance (1 of 4 stars; one submission).

Conditions:
Primary ciliary dyskinesia. Also called: Ciliary dyskinesia. Identifiers: Orphanet 244, MedGen C0008780, MONDO:0016575, HP:0012265.

Allele frequency attached by ClinVar (database versions not stated): TOPMed below 0.00001.
gnomAD v4.1: 6 of 1,613,906 alleles (0.00037%); highest among the groups gnomAD compares: South Asian, 0.0055%; no homozygotes.

Submission:

Labcorp Genetics (formerly Invitae), Labcorp
Classification: Uncertain significance for Primary ciliary dyskinesia. Last evaluated: 2022-06-27. Review status: criteria provided, single submitter. Criteria: Invitae Variant Classification Sherloc (09022015). Collection method: clinical testing. Allele origin: germline.
Comment: This variant has not been reported in the literature in individuals affected with DNAH8-related conditions. This variant is present in population databases (rs576946348, gnomAD 0.01%). This sequence change replaces arginine, which is basic and polar, with leucine, which is neutral and non-polar, at codon 2796 of the DNAH8 protein (p.Arg2796Leu). Algorithms developed to predict the effect of missense changes on protein structure and function are either unavailable or do not agree on the potential impact of this missense change (SIFT: "Deleterious"; PolyPhen-2: "Not Available"; Align-GVGD: "Class C0"). In summary, the available evidence is currently insufficient to determine the role of this variant in disease. Therefore, it has been classified as a Variant of Uncertain Significance.

NM_001206927.2(DNAH8):c.8387G>T (p.Arg2796Leu)

Gene: DNAH8 (dynein axonemal heavy chain 8; plus strand). Cytogenetic location: 6p21.2.
Variant type: single nucleotide variant.
Coding change: c.8387G>T on transcript NM_001206927.2 (MANE Select); coding-DNA position 8387, G replaced by T.
Protein change: p.Arg2796Leu; replaces arginine 2796 with leucine.
Molecular consequence: missense variant.
Genome position (GRCh38, 1-based): chr6:38,886,918, G>T. VCF-style: chr6-38886918-G-T. GRCh37 (hg19) VCF-style: chr6-38854694-G-T.
Other names: c.7736G>T, p.Arg2579Leu (NM_001371.4); short protein forms R2579L, R2796L.
Identifiers: ClinVar variation 1383240 (VCV001383240.8), dbSNP rs576946348, ClinGen allele CA3790173.